The following is an entry in ClinVar:

ClinVar aggregate classification (germline): Uncertain significance (1 of 4 stars; one submission).

Submission:

Ambry Genetics
Classification: Uncertain significance. Last evaluated: 2019-05-13. Review status: criteria provided, single submitter. Criteria: Ambry Variant Classification Scheme 2023. Collection method: clinical testing. Allele origin: germline.
Comment: The p.M68L variant (also known as c.202A>T), located in coding exon 1 of the CRH gene, results from an A to T substitution at nucleotide position 202. The methionine at codon 68 is replaced by leucine, an amino acid with highly similar properties. This amino acid position is not well conserved in available vertebrate species, and leucine is the reference amino acid in other vertebrate species. In addition, this alteration is predicted to be tolerated by in silico analysis. Since supporting evidence is limited at this time, the clinical significance of this alteration remains unclear.

NM_000756.4(CRH):c.202A>T (p.Met68Leu)

Gene: CRH (corticotropin releasing hormone; minus strand). Cytogenetic location: 8q13.1.
Variant type: single nucleotide variant.
Coding change: c.202A>T on transcript NM_000756.4 (MANE Select); coding-DNA position 202, A replaced by T.
Protein change: p.Met68Leu; replaces methionine 68 with leucine.
Molecular consequence: missense variant.
Genome position (GRCh38, 1-based): chr8:66,177,276, T>A on the plus strand (A>T on the coding strand, the complement: CRH is on the minus strand). VCF-style: chr8-66177276-T-A. GRCh37 (hg19) VCF-style: chr8-67089511-T-A.
Other names: short protein forms M68L.
Identifiers: ClinVar variation 1784728 (VCV001784728.2), dbSNP rs781382472, ClinGen allele CA371344240.
Genomic context (GRCh38, chr8:66,177,276, plus strand): 5'-AAAGGGGAGCGGCCGGGCTCTTGTTGAGGTTCCCCAGGCGGAGGAAGTACTCCTCTCCCA[T>A]GCGGAGCAGGACCGGCCGAGCCTGCGGCTGCTGGGGCTGCTCGGACTGCGGCGGCGGCTG-3'
Protein context (NP_000747.1, residues 58-78): QPQARPVLLR[Met68Leu]GEEYFLRLGN